The following is an entry in ClinVar:

ClinVar aggregate classification (germline): Conflicting classifications of pathogenicity. Review status: criteria provided, conflicting classifications (1 of 4 stars). 7 submissions from 7 submitters: Uncertain significance (5); Likely benign (1). 1 of the submissions does not count toward it. Last evaluated 2025-12-24.

Conditions:
Fumarase deficiency (FMRD). Also called: Fumaric aciduria; Fumarate Hydratase Deficiency. Identifiers: Orphanet 24, MedGen C0342770, MONDO:0011730, OMIM 606812.
Hereditary leiomyomatosis and renal cell cancer. Also called: LEIOMYOMA, MULTIPLE CUTANEOUS; MULTIPLE CUTANEOUS AND UTERINE LEIOMYOMATA 1, WITH OR WITHOUT RENAL CELL CARCINOMA; Reed syndrome; Multiple cutaneous and uterine leiomyomatosis; Cutaneous leiomyomata with uterine leiomyomata; Leiomyoma, hereditary multiple, of skin. Identifiers: Orphanet 523, MedGen C1708350, MONDO:0007888, OMIM 150800, HP:0007437. Disease mechanism: loss of function.
Hereditary cancer-predisposing syndrome. Also called: Neoplastic Syndromes, Hereditary; Hereditary Cancer Syndrome; Hereditary neoplastic syndrome; Tumor predisposition. Identifiers: Orphanet 140162, MedGen C0027672, MeSH D009386, MONDO:0015356.

Allele frequency attached by ClinVar (database versions not stated): gnomAD exomes 0.00001 and 0.00002; ExAC 0.00003; gnomAD 0.00005 and 0.00006; TOPMed 0.00006; ESP Exome Variant Server 0.00008.

Submissions (8):

Labcorp Genetics (formerly Invitae), Labcorp
Classification: Uncertain significance. Last evaluated: 2025-12-24. Review status: criteria provided, single submitter. Criteria: Invitae Variant Classification Sherloc (09022015). Collection method: clinical testing. Allele origin: germline.
Comment: This sequence change replaces arginine, which is basic and polar, with cysteine, which is neutral and slightly polar, at codon 87 of the FH protein (p.Arg87Cys). This variant is present in population databases (rs139642944, gnomAD 0.02%). This variant has not been reported in the literature in individuals affected with FH-related conditions. ClinVar contains an entry for this variant (Variation ID: 405936). Invitae Evidence Modeling of protein sequence and biophysical properties (such as structural, functional, and spatial information, amino acid conservation, physicochemical variation, residue mobility, and thermodynamic stability) indicates that this missense variant is expected to disrupt FH protein function with a positive predictive value of 95%. In summary, the available evidence is currently insufficient to determine the role of this variant in disease. Therefore, it has been classified as a Variant of Uncertain Significance.

Ambry Genetics
Classification: Uncertain significance for Hereditary cancer-predisposing syndrome. Last evaluated: 2025-09-29. Review status: criteria provided, single submitter. Criteria: Ambry Variant Classification Scheme 2023. Collection method: clinical testing. Allele origin: germline.
Comment: The p.R87C variant (also known as c.259C>T), located in coding exon 2 of the FH gene, results from a C to T substitution at nucleotide position 259. The arginine at codon 87 is replaced by cysteine, an amino acid with highly dissimilar properties. This amino acid position is highly conserved in available vertebrate species. In addition, this alteration is predicted to be deleterious by in silico analysis. Based on the available evidence, the clinical significance of this variant remains unclear.

Myriad Genetics, Inc.
Classification: Likely benign for Hereditary leiomyomatosis and renal cell cancer. Last evaluated: 2024-08-13. Review status: criteria provided, single submitter. Criteria: Myriad Autosomal Dominant, Autosomal Recessive and X-Linked Classification Criteria (2023). Collection method: clinical testing. Allele origin: unknown.
Comment: This variant is considered likely benign. This variant has been observed at a population frequency that is significantly greater than expected given the associated disease prevalence and penetrance.

GeneDx
Classification: Uncertain significance. Last evaluated: 2024-04-19. Review status: criteria provided, single submitter. Criteria: GeneDx Variant Classification Process June 2021. Collection method: clinical testing. Allele origin: germline. Affected: yes.
Comment: Has not been previously published as pathogenic or benign to our knowledge; In silico analysis supports that this missense variant has a deleterious effect on protein structure/function

Baylor Genetics
Classification: Uncertain significance for Fumarase deficiency. Last evaluated: 2024-01-17. Review status: criteria provided, single submitter. Criteria: ACMG Guidelines, 2015. Collection method: clinical testing. Allele origin: unknown.

Revvity Omics, Revvity
Classification: Uncertain significance. Last evaluated: 2023-06-09. Review status: criteria provided, single submitter. Criteria: ACMG Guidelines, 2015. Collection method: clinical testing. Allele origin: germline.

Natera, Inc.
Classification: Uncertain significance for Fumarase Deficiency. Last evaluated: 2021-05-21. Review status: no assertion criteria provided. Collection method: clinical testing. Allele origin: germline. Not counted in ClinVar's aggregate classification.

Blake Wilde Laboratory, Roswell Park Comprehensive Cancer Center
No classification provided (evidence only). Condition: Hereditary leiomyomatosis and renal cell cancer. Review status: no classification provided. Collection method: in vitro. Allele origin: not applicable. Functional consequence: functionally normal. Not counted in ClinVar's aggregate classification.

NM_000143.4(FH):c.259C>T (p.Arg87Cys)

Gene: FH (fumarate hydratase; minus strand). Cytogenetic location: 1q43.
Variant type: single nucleotide variant.
Coding change: c.259C>T on transcript NM_000143.4 (MANE Select); coding-DNA position 259, C replaced by T.
Protein change: p.Arg87Cys; replaces arginine 87 with cysteine.
Molecular consequence: missense variant.
Genome position (GRCh38, 1-based): chr1:241,517,190, G>A on the plus strand (C>T on the coding strand, the complement: FH is on the minus strand). VCF-style: chr1-241517190-G-A. GRCh37 (hg19) VCF-style: chr1-241680490-G-A.
Other names: short protein forms R87C.
Identifiers: ClinVar variation 405936 (VCV000405936.31), dbSNP rs139642944, ClinGen allele CA1478738.